The following is an entry in ClinVar:

NM_000179.3(MSH6):c.3809T>C (p.Met1270Thr)

Gene: MSH6 (mutS homolog 6; plus strand). Cytogenetic location: 2p16.3.
Variant type: single nucleotide variant.
Coding change: c.3809T>C on transcript NM_000179.3 (MANE Select); coding-DNA position 3809, T replaced by C.
Protein change: p.Met1270Thr; replaces methionine 1270 with threonine.
Molecular consequence: missense variant.
Genome position (GRCh38, 1-based): chr2:47,806,459, T>C. VCF-style: chr2-47806459-T-C. GRCh37 (hg19) VCF-style: chr2-48033598-T-C.
Other names: c.3419T>C, p.Met1140Thr (NM_001281492.2); c.2903T>C, p.Met968Thr (NM_001281493.2, NM_001281494.2); short protein forms M1270T, M1140T, M968T.
Identifiers: ClinVar variation 439209 (VCV000439209.18), dbSNP rs777617756, ClinGen allele CA072173.

ClinVar aggregate classification (germline): Conflicting classifications of pathogenicity. Review status: criteria provided, conflicting classifications (1 of 4 stars). 5 submissions from 5 submitters: Uncertain significance (4); Likely benign (1). Last evaluated 2024-09-03.

Conditions:
Endometrial carcinoma. Also called: Endometrial carcinoma, somatic. Identifiers: MedGen C0476089, MONDO:0002447, OMIM 608089, HP:0012114.
Hereditary nonpolyposis colorectal neoplasms. Identifiers: MedGen C0009405, MeSH D003123.
Hereditary cancer-predisposing syndrome. Also called: Hereditary neoplastic syndrome; Hereditary Cancer Syndrome; Tumor predisposition; Neoplastic Syndromes, Hereditary. Identifiers: Orphanet 140162, MedGen C0027672, MeSH D009386, MONDO:0015356.
Lynch syndrome. Identifiers: Orphanet 144, MedGen C4552100, MONDO:0005835. Disease mechanism: loss of function.

Allele frequency attached by ClinVar (database versions not stated): gnomAD exomes below 0.00001.

Submissions (5):

Ambry Genetics
Classification: Uncertain significance for Hereditary cancer-predisposing syndrome. Last evaluated: 2024-09-03. Review status: criteria provided, single submitter. Criteria: Ambry Variant Classification Scheme 2023. Collection method: clinical testing. Allele origin: germline.
Comment: The p.M1270T variant (also known as c.3809T>C), located in coding exon 9 of the MSH6 gene, results from a T to C substitution at nucleotide position 3809. The methionine at codon 1270 is replaced by threonine, an amino acid with similar properties. This amino acid position is highly conserved in available vertebrate species. In addition, this alteration is predicted to be deleterious by in silico analysis. Based on the available evidence, the clinical significance of this variant remains unclear.

Labcorp Genetics (formerly Invitae), Labcorp
Classification: Likely benign for Hereditary nonpolyposis colorectal neoplasms. Last evaluated: 2024-04-29. Review status: criteria provided, single submitter. Criteria: Invitae Variant Classification Sherloc (09022015). Collection method: clinical testing. Allele origin: germline.

All of Us Research Program, National Institutes of Health
Classification: Uncertain significance for Lynch syndrome. Last evaluated: 2024-03-05. Review status: criteria provided, single submitter. Criteria: ACMG Guidelines, 2015. Collection method: clinical testing. Allele origin: germline. Inheritance: Autosomal dominant inheritance. Observed: 1 variant allele, 1 heterozygote.
Comment: This study involves interpretation of variants in research participants for the purpose of population health screening. Participant phenotype was not available at the time of variant classification. Additional details can be found in publication PMID: 35346344, PMCID: PMC8962531

Baylor Genetics
Classification: Uncertain significance for Endometrial carcinoma. Last evaluated: 2023-12-18. Review status: criteria provided, single submitter. Criteria: ACMG Guidelines, 2015. Collection method: clinical testing. Allele origin: unknown.

Quest Diagnostics Nichols Institute San Juan Capistrano
Classification: Uncertain significance. Last evaluated: 2017-07-11. Review status: criteria provided, single submitter. Criteria: Quest Diagnostics criteria. Collection method: clinical testing. Allele origin: germline.